The following is an entry in ClinVar:

NM_177438.3(DICER1):c.191T>C (p.Leu64Ser)

Gene: DICER1 (dicer 1, ribonuclease III; minus strand). Cytogenetic location: 14q32.13.
Variant type: single nucleotide variant.
Coding change: c.191T>C on transcript NM_177438.3 (MANE Select); coding-DNA position 191, T replaced by C.
Protein change: p.Leu64Ser; replaces leucine 64 with serine.
Molecular consequence: missense variant. On other transcripts: 5 prime UTR variant (9), non-coding transcript variant (6).
Genome position (GRCh38, 1-based): chr14:95,132,631, A>G on the plus strand (T>C on the coding strand, the complement: DICER1 is on the minus strand). VCF-style: chr14-95132631-A-G. GRCh37 (hg19) VCF-style: chr14-95598968-A-G.
Other names: c.191T>C, p.Leu64Ser (NM_001195573.1, NM_001395692.1, NM_001395693.1 and 15 more transcripts); c.-84T>C (NM_001395686.1, NM_001395687.1, NM_001395688.1 and 4 more transcripts); c.-268T>C (NM_001395691.1); c.-1378T>C (NM_001395697.1); short protein forms L64S.
Identifiers: ClinVar variation 2756037 (VCV002756037.3), dbSNP rs2543371005, ClinGen allele CA390890034.

ClinVar aggregate classification (germline): Uncertain significance (1 of 4 stars; one submission).

Conditions:
DICER1-related tumor predisposition. Also called: DICER1-related pleuropulmonary blastoma cancer predisposition syndrome; DICER1 syndrome. Identifiers: Orphanet 284343, MedGen C3839822, MONDO:0100216.

Submission:

Labcorp Genetics (formerly Invitae), Labcorp
Classification: Uncertain significance for DICER1-related tumor predisposition. Last evaluated: 2023-08-28. Review status: criteria provided, single submitter. Criteria: Invitae Variant Classification Sherloc (09022015). Collection method: clinical testing. Allele origin: germline.
Comment: In summary, the available evidence is currently insufficient to determine the role of this variant in disease. Therefore, it has been classified as a Variant of Uncertain Significance. This sequence change replaces leucine, which is neutral and non-polar, with serine, which is neutral and polar, at codon 64 of the DICER1 protein (p.Leu64Ser). This variant is not present in population databases (gnomAD no frequency). This variant has not been reported in the literature in individuals affected with DICER1-related conditions. Advanced modeling of protein sequence and biophysical properties (such as structural, functional, and spatial information, amino acid conservation, physicochemical variation, residue mobility, and thermodynamic stability) performed at Invitae indicates that this missense variant is expected to disrupt DICER1 protein function.